The following is an entry in ClinVar:

ClinVar aggregate classification (germline): Pathogenic/Likely pathogenic. Review status: criteria provided, multiple submitters, no conflicts (2 of 4 stars). 2 submissions from 2 submitters: Pathogenic (1); Likely pathogenic (1). Last evaluated 2024-12-31.

Conditions:
CLDN14-related disorder. Also called: CLDN14-related condition.

Allele frequency attached by ClinVar (database versions not stated): gnomAD 0.00005; ESP Exome Variant Server 0.00015; gnomAD exomes below 0.00001; ExAC 0.00001; TOPMed 0.00003.
gnomAD v4.1: 12 of 1,613,640 alleles (0.00074%); highest among the groups gnomAD compares: African/African-American, 0.016%; no homozygotes.

Submissions (2):

PreventionGenetics, part of Exact Sciences
Classification: Pathogenic for CLDN14-related condition. Last evaluated: 2024-12-31. Review status: criteria provided, single submitter. Criteria: ACMG Guidelines, 2015. Collection method: clinical testing. Allele origin: germline.
Comment: The CLDN14 c.414G>A variant is predicted to result in premature protein termination (p.Trp138*). This variant has been reported as causative for autosomal recessive hearing loss (Mohamed et al. 2019. PubMed ID: 31781163). This variant is reported in 0.020% of alleles in individuals of African descent in gnomAD. Nonsense variants in CLDN14 are expected to be pathogenic. This variant is interpreted as pathogenic.

GeneDx
Classification: Likely pathogenic. Last evaluated: 2023-09-24. Review status: criteria provided, single submitter. Criteria: GeneDx Variant Classification Process June 2021. Collection method: clinical testing. Allele origin: germline. Affected: yes.
Comment: Nonsense variant in the C-terminus predicted to result in protein truncation, as the last 102 amino acids are lost, and other loss-of-function variants have been reported downstream in HGMD; This variant is associated with the following publications: (PMID: 31781163)

NM_001146079.2(CLDN14):c.414G>A (p.Trp138Ter)

Genes: CLDN14 (claudin 14; minus strand), CLDN14-AS1 (CLDN14 antisense RNA 1; plus strand). Cytogenetic location: 21q22.13.
Variant type: single nucleotide variant.
Coding change: c.414G>A on transcript NM_001146079.2 (MANE Select); coding-DNA position 414, G replaced by A.
Protein change: p.Trp138Ter; replaces tryptophan 138 with a stop codon.
Molecular consequence: nonsense.
Genome position (GRCh38, 1-based): chr21:36,461,282, C>T on the plus strand (G>A on the coding strand, the complement: CLDN14 is on the minus strand). VCF-style: chr21-36461282-C-T. GRCh37 (hg19) VCF-style: chr21-37833580-C-T.
Other names: c.414G>A, p.Trp138Ter (NM_001146077.2, NM_001146078.3, NM_012130.4 and 1 more transcripts); c.414G>A (NM_001146077.1); short protein forms W138*.
Identifiers: ClinVar variation 1810013 (VCV001810013.4), dbSNP rs142846225, ClinGen allele CA10019267.